The following is an entry in ClinVar:

ClinVar aggregate classification (germline): Likely benign (1 of 4 stars; one submission).

Conditions:
ITSN1-related disorder. Also called: ITSN1-related condition.

gnomAD v4.1: 7 of 1,530,410 alleles (0.00046%); no homozygotes.

Submission:

PreventionGenetics, part of Exact Sciences
Classification: Likely benign for ITSN1-related condition. Last evaluated: 2025-07-03. Review status: criteria provided, single submitter. Criteria: ACMG Guidelines, 2015. Collection method: clinical testing. Allele origin: germline.
Comment: This variant is classified as likely benign based on ACMG/AMP sequence variant interpretation guidelines (Richards et al. 2015 PMID: 25741868, with internal and published modifications).

NM_003024.3(ITSN1):c.1597-8C>T

Gene: ITSN1 (intersectin 1; plus strand). Cytogenetic location: 21q22.11.
Variant type: single nucleotide variant.
Coding change: c.1597-8C>T on transcript NM_003024.3 (MANE Select); 8 bases into the intron before coding-DNA position 1597, C replaced by T.
Molecular consequence: intron variant.
Genome position (GRCh38, 1-based): chr21:33,781,453, C>T. VCF-style: chr21-33781453-C-T. GRCh37 (hg19) VCF-style: chr21-35153757-C-T.
Other names: c.1597-8C>T (NM_001331010.2, NM_001001132.2, NM_001331008.2 and 2 more transcripts); c.1486-8C>T (NM_001331012.2).
Identifiers: ClinVar variation 4978767 (VCV004978767.1).